The following is an entry in ClinVar:

ClinVar aggregate classification (germline): Uncertain significance (1 of 4 stars; one submission).

Submission:

CeGaT Center for Human Genetics Tuebingen
Classification: Uncertain significance. Last evaluated: 2022-05-01. Review status: criteria provided, single submitter. Criteria: CeGaT Center For Human Genetics Tuebingen Variant Classification Criteria Version 2. Collection method: clinical testing. Allele origin: germline. Affected: yes. Observed: 1 variant allele.
Comment: DHTKD1: PM2

NM_018706.7(DHTKD1):c.2509G>A (p.Glu837Lys)

Gene: DHTKD1 (dehydrogenase E1 and transketolase domain containing 1; plus strand). Cytogenetic location: 10p14.
Variant type: single nucleotide variant.
Coding change: c.2509G>A on transcript NM_018706.7 (MANE Select); coding-DNA position 2509, G replaced by A.
Protein change: p.Glu837Lys; replaces glutamic acid 837 with lysine.
Molecular consequence: missense variant.
Genome position (GRCh38, 1-based): chr10:12,118,855, G>A. VCF-style: chr10-12118855-G-A. GRCh37 (hg19) VCF-style: chr10-12160854-G-A.
Other names: short protein forms E837K.
Identifiers: ClinVar variation 2640303 (VCV002640303.24), dbSNP rs2491523318, ClinGen allele CA376016460.